The following is an entry in ClinVar:

NM_019842.4(KCNQ5):c.1552C>A (p.Leu518Ile)

Gene: KCNQ5 (potassium voltage-gated channel subfamily Q member 5; plus strand). Cytogenetic location: 6q13.
Variant type: single nucleotide variant.
Coding change: c.1552C>A on transcript NM_019842.4 (MANE Select); coding-DNA position 1552, C replaced by A.
Protein change: p.Leu518Ile; replaces leucine 518 with isoleucine.
Molecular consequence: missense variant. On other transcripts: intron variant (1).
Genome position (GRCh38, 1-based): chr6:73,169,829, C>A. VCF-style: chr6-73169829-C-A. GRCh37 (hg19) VCF-style: chr6-73879552-C-A.
Other names: c.1525C>A, p.Leu509Ile (NM_001160130.2); c.1582C>A, p.Leu528Ile (NM_001160132.2); c.1609C>A, p.Leu537Ile (NM_001160133.2); c.1248-20744C>A (NM_001160134.2); short protein forms L537I, L509I, L518I, L528I.
Identifiers: ClinVar variation 2735874 (VCV002735874.3), dbSNP rs2533867197, ClinGen allele CA364691446.
Genomic context (GRCh38, chr6:73,169,829, plus strand): 5'-GATGTATATGATGAAAAAGGATGCCAGTGTGATGTATCAGTGGAAGACCTCACCCCACCA[C>A]TTAAAACTGTCATTCGAGCTATCAGGTTGGTGAAAATCTTGAACAACGTGATTCAGAGAC-3'
Protein context (NP_062816.2, residues 508-528): DVSVEDLTPP[Leu518Ile]KTVIRAIRIM

ClinVar aggregate classification (germline): Uncertain significance (1 of 4 stars; one submission).

Submission:

Labcorp Genetics (formerly Invitae), Labcorp
Classification: Uncertain significance. Last evaluated: 2023-11-18. Review status: criteria provided, single submitter. Criteria: Invitae Variant Classification Sherloc (09022015). Collection method: clinical testing. Allele origin: germline.
Comment: This sequence change replaces leucine, which is neutral and non-polar, with isoleucine, which is neutral and non-polar, at codon 537 of the KCNQ5 protein (p.Leu537Ile). This variant is not present in population databases (gnomAD no frequency). This variant has not been reported in the literature in individuals affected with KCNQ5-related conditions. Advanced modeling of protein sequence and biophysical properties (such as structural, functional, and spatial information, amino acid conservation, physicochemical variation, residue mobility, and thermodynamic stability) performed at Invitae indicates that this missense variant is not expected to disrupt KCNQ5 protein function with a negative predictive value of 80%. In summary, the available evidence is currently insufficient to determine the role of this variant in disease. Therefore, it has been classified as a Variant of Uncertain Significance.